The following is an entry in ClinVar:

ClinVar aggregate classification (germline): Conflicting classifications of pathogenicity. Review status: criteria provided, conflicting classifications (1 of 4 stars). 2 submissions from 2 submitters: Uncertain significance (1); Likely benign (1). Last evaluated 2024-08-20.

Conditions:
Deficiency of ferroxidase (ACEP). Also called: Deficiency of ceruloplasmin; NEURODEGENERATION WITH BRAIN IRON ACCUMULATION 10; Aceruloplasminemia; Ceruloplasmin deficiency; Familial apoceruloplasmin deficiency; Hereditary ceruloplasmin deficiency. Identifiers: Orphanet 48818, MedGen C0878682, MONDO:0011426, OMIM 604290, HP:0025498.

gnomAD v4.1: 27 of 1,613,828 alleles (0.0017%); highest among the groups gnomAD compares: African/African-American, 0.013%; no homozygotes.

Submissions (2):

Mayo Clinic Laboratories, Mayo Clinic
Classification: Uncertain significance. Last evaluated: 2024-08-20. Review status: criteria provided, single submitter. Criteria: ACMG Guidelines, 2015. Collection method: clinical testing. Allele origin: germline. Observed: 1 variant allele.
Comment: PM2

Labcorp Genetics (formerly Invitae), Labcorp
Classification: Likely benign for Deficiency of ferroxidase. Last evaluated: 2024-02-28. Review status: criteria provided, single submitter. Criteria: Invitae Variant Classification Sherloc (09022015). Collection method: clinical testing. Allele origin: germline.

NM_000096.4(CP):c.1100G>A (p.Arg367His)

Gene: CP (ceruloplasmin; minus strand). Cytogenetic location: 3q25.1.
Variant type: single nucleotide variant.
Coding change: c.1100G>A on transcript NM_000096.4 (MANE Select); coding-DNA position 1100, G replaced by A.
Protein change: p.Arg367His; replaces arginine 367 with histidine.
Molecular consequence: missense variant. On other transcripts: non-coding transcript variant (1).
Genome position (GRCh38, 1-based): chr3:149,206,276, C>T on the plus strand (G>A on the coding strand, the complement: CP is on the minus strand). VCF-style: chr3-149206276-C-T. GRCh37 (hg19) VCF-style: chr3-148924063-C-T.
Other names: p.Arg367His; short protein forms R367H.
Identifiers: ClinVar variation 3379507 (VCV003379507.3).